The following is an entry in ClinVar:

ClinVar aggregate classification (germline): Likely benign. Review status: criteria provided, multiple submitters, no conflicts (2 of 4 stars). 3 submissions from 3 submitters: Likely benign (3). Last evaluated 2026-01-19.

Allele frequency attached by ClinVar (database versions not stated): gnomAD 0.00001; TOPMed 0.00002; ExAC 0.00003; gnomAD exomes 0.00003.
gnomAD v4.1: 35 of 1,612,838 alleles (0.0022%); highest among the groups gnomAD compares: Admixed American, 0.0033%; no homozygotes.

Submissions (3):

Labcorp Genetics (formerly Invitae), Labcorp
Classification: Likely benign. Last evaluated: 2026-01-19. Review status: criteria provided, single submitter. Criteria: Invitae Variant Classification Sherloc (09022015). Collection method: clinical testing. Allele origin: germline.

Blueprint Genetics
Classification: Likely benign. Last evaluated: 2023-12-11. Review status: criteria provided, single submitter. Criteria: ACMG Guidelines, 2015. Collection method: clinical testing. Allele origin: germline.

Laboratory for Molecular Medicine, Mass General Brigham Personalized Medicine
Classification: Likely benign. Last evaluated: 2013-02-15. Review status: criteria provided, single submitter. Criteria: LMM Criteria. Collection method: clinical testing. Allele origin: germline. Observed: 1 variant allele.
Comment: Thr1565Thr in exon 35 of MYO7A: This variant is not expected to have clinical si gnificance because it does not alter an amino acid residue and it is not located within the splice consensus sequence.

NM_000260.4(MYO7A):c.4695G>A (p.Thr1565=)

Gene: MYO7A (myosin VIIA; plus strand). Cytogenetic location: 11q13.5.
Variant type: single nucleotide variant.
Coding change: c.4695G>A on transcript NM_000260.4 (MANE Select); coding-DNA position 4695, G replaced by A.
Protein change: p.Thr1565=; no amino-acid change (threonine 1565 retained).
Molecular consequence: synonymous variant.
Genome position (GRCh38, 1-based): chr11:77,199,661, G>A. VCF-style: chr11-77199661-G-A. GRCh37 (hg19) VCF-style: chr11-76910706-G-A.
Other names: c.4581G>A, p.Thr1527= (NM_001127180.2); c.4548G>A, p.Thr1516= (NM_001369365.1).
Identifiers: ClinVar variation 43253 (VCV000043253.14), dbSNP rs397516313, ClinGen allele CA132343.